The following is an entry in ClinVar:

NM_000256.3(MYBPC3):c.2149-2A>G

Gene: MYBPC3 (myosin binding protein C3; minus strand). Cytogenetic location: 11p11.2.
Variant type: single nucleotide variant.
Coding change: c.2149-2A>G on transcript NM_000256.3 (MANE Select); the canonical splice acceptor site of the intron before coding-DNA position 2149, A replaced by G.
Molecular consequence: splice acceptor variant.
Genome position (GRCh38, 1-based): chr11:47,338,681, T>C on the plus strand (A>G on the coding strand, the complement: MYBPC3 is on the minus strand). VCF-style: chr11-47338681-T-C. GRCh37 (hg19) VCF-style: chr11-47360232-T-C.
Identifiers: ClinVar variation 1327787 (VCV001327787.2), dbSNP rs2142856729, ClinGen allele CA380320681.

ClinVar aggregate classification (germline): Pathogenic (1 of 4 stars; one submission).

Allele frequency attached by ClinVar (database versions not stated): gnomAD exomes below 0.00001.
gnomAD v4.1: 1 of 1,608,446 alleles (0.000062%); highest among the groups gnomAD compares: South Asian, 0.0011%; no homozygotes.

Submission:

GeneDx
Classification: Pathogenic. Last evaluated: 2021-12-03. Review status: criteria provided, single submitter. Criteria: GeneDx Variant Classification Process June 2021. Collection method: clinical testing. Allele origin: germline. Affected: yes.
Comment: Identified in a patient with hypertrophic cardiomyopathy (HCM) in the published literature (Bos et al., 2014); Not observed at significant frequency in large population cohorts (Lek et al., 2016); Canonical splice site variant predicted to result in a null allele in a gene for which loss-of-function is a known mechanism of disease; This variant is associated with the following publications: (PMID: 24793961)